The following is an entry in ClinVar:

ClinVar aggregate classification (germline): Uncertain significance. Review status: criteria provided, multiple submitters, no conflicts (2 of 4 stars). 3 submissions from 3 submitters: Uncertain significance (3). Last evaluated 2025-01-01.

Conditions:
Inborn genetic diseases. Identifiers: MedGen C0950123, MeSH D030342.

Allele frequency attached by ClinVar (database versions not stated): gnomAD exomes 0.00004 and 0.00015; gnomAD 0.00006 and 0.00012; ExAC 0.00013; TOPMed 0.00014; 1000 Genomes Project 30x 0.00016; 1000 Genomes Project 0.00020.

Submissions (3):

Ambry Genetics
Classification: Uncertain significance for Inborn genetic diseases. Last evaluated: 2025-01-01. Review status: criteria provided, single submitter. Criteria: Ambry Variant Classification Scheme 2023. Collection method: clinical testing. Allele origin: germline.

Blueprint Genetics
Classification: Uncertain significance. Last evaluated: 2024-11-04. Review status: criteria provided, single submitter. Criteria: ACMG Guidelines, 2015. Collection method: clinical testing. Allele origin: germline.

Labcorp Genetics (formerly Invitae), Labcorp
Classification: Uncertain significance. Last evaluated: 2022-07-19. Review status: criteria provided, single submitter. Criteria: Invitae Variant Classification Sherloc (09022015). Collection method: clinical testing. Allele origin: germline.
Comment: This sequence change replaces methionine, which is neutral and non-polar, with isoleucine, which is neutral and non-polar, at codon 155 of the REEP6 protein (p.Met155Ile). This variant is present in population databases (rs370464582, gnomAD 0.1%). This variant has not been reported in the literature in individuals affected with REEP6-related conditions. ClinVar contains an entry for this variant (Variation ID: 1390893). Experimental studies and prediction algorithms are not available or were not evaluated, and the functional significance of this variant is currently unknown. In summary, the available evidence is currently insufficient to determine the role of this variant in disease. Therefore, it has been classified as a Variant of Uncertain Significance.

NM_138393.4(REEP6):c.465G>C (p.Met155Ile)

Gene: REEP6 (receptor accessory protein 6; plus strand). Cytogenetic location: 19p13.3.
Variant type: single nucleotide variant.
Coding change: c.465G>C on transcript NM_138393.4 (MANE Select); coding-DNA position 465, G replaced by C.
Protein change: p.Met155Ile; replaces methionine 155 with isoleucine.
Molecular consequence: missense variant.
Genome position (GRCh38, 1-based): chr19:1,496,401, G>C. VCF-style: chr19-1496401-G-C. GRCh37 (hg19) VCF-style: chr19-1496400-G-C.
Other names: c.465G>C (NM_138393.1); c.465G>C, p.Met155Ile (NM_001329556.3); short protein forms M155I.
Identifiers: ClinVar variation 1390893 (VCV001390893.6), dbSNP rs370464582, ClinGen allele CA9047583.